The following is an entry in ClinVar:

ClinVar aggregate classification (germline): Conflicting classifications of pathogenicity. Review status: criteria provided, conflicting classifications (1 of 4 stars). 7 submissions from 7 submitters: Uncertain significance (5); Likely benign (1). 1 of the submissions does not count toward it. Last evaluated 2025-12-10.

Conditions:
Hereditary cancer-predisposing syndrome. Also called: Tumor predisposition; Neoplastic Syndromes, Hereditary; Hereditary Cancer Syndrome; Hereditary neoplastic syndrome. Identifiers: Orphanet 140162, MedGen C0027672, MeSH D009386, MONDO:0015356.
Cardiovascular phenotype. Identifiers: MedGen CN230736.
NF1-related disorder. Also called: NF1-related condition. Identifiers: MedGen CN379171.
Neurofibromatosis, type 1 (NF1). Also called: Neurofibromatosis, type I; NEUROFIBROMATOSIS, TYPE I, SOMATIC; Peripheral type neurofibromatosis; VON RECKLINGHAUSEN DISEASE. Identifiers: Orphanet 636, MedGen C0027831, MONDO:0018975, OMIM 162200. Disease mechanism: loss of function.
Café-au-lait macules with pulmonary stenosis (WTSN). Also called: PULMONIC STENOSIS WITH CAFE-AU-LAIT SPOTS. Identifiers: MedGen C0553586, MONDO:0008672, OMIM 193520.
Juvenile myelomonocytic leukemia (JMML). Also called: LEUKEMIA, JUVENILE MYELOMONOCYTIC, SOMATIC. Identifiers: Orphanet 86834, MedGen C0349639, MONDO:0011908, OMIM 607785, HP:0012209.
Neurofibromatosis-Noonan syndrome (NFNS). Also called: NEUROFIBROMATOSIS WITH NOONAN PHENOTYPE. Identifiers: Orphanet 638, MedGen C2931482, MONDO:0011035, OMIM 601321. Disease mechanism: loss of function.
Neurofibromatosis, familial spinal (FSNF). Identifiers: Orphanet 636, MedGen C1834235, MONDO:0008078, OMIM 162210. Disease mechanism: loss of function.

Allele frequency attached by ClinVar (database versions not stated): gnomAD exomes below 0.00001.
gnomAD v4.1: 5 of 1,612,648 alleles (0.00031%); highest among the groups gnomAD compares: Non-Finnish European, 0.00042%; no homozygotes.

Submissions (7):

Labcorp Genetics (formerly Invitae), Labcorp
Classification: Likely benign for Neurofibromatosis, type 1. Last evaluated: 2025-12-10. Review status: criteria provided, single submitter. Criteria: Invitae Variant Classification Sherloc (09022015). Collection method: clinical testing. Allele origin: germline.

Baylor Genetics
Classification: Uncertain significance for Juvenile myelomonocytic leukemia. Last evaluated: 2024-01-11. Review status: criteria provided, single submitter. Criteria: ACMG Guidelines, 2015. Collection method: clinical testing. Allele origin: unknown.

Ambry Genetics
Classification: Uncertain significance for Cardiovascular phenotype; Hereditary cancer-predisposing syndrome. Last evaluated: 2023-06-18. Review status: criteria provided, single submitter. Criteria: Ambry Variant Classification Scheme 2023. Collection method: clinical testing. Allele origin: germline.
Comment: The p.R601Q variant (also known as c.1802G>A), located in coding exon 16 of the NF1 gene, results from a G to A substitution at nucleotide position 1802. The arginine at codon 601 is replaced by glutamine, an amino acid with highly similar properties. In one study, this alteration was not observed in 7,051 unselected female breast cancer patients and was observed in 1/11,241 female controls of Japanese ancestry (Momozawa Y et al. Nat Commun, 2018 10;9:4083). This amino acid position is highly conserved in available vertebrate species. In addition, the in silico prediction for this alteration is inconclusive. Since supporting evidence is limited at this time, the clinical significance of this alteration remains unclear.

Genome-Nilou Lab
Classification: Uncertain significance for Neurofibromatosis, type 1. Last evaluated: 2022-03-15. Review status: criteria provided, single submitter. Criteria: ACMG Guidelines, 2015. Collection method: clinical testing. Allele origin: germline. Affected: no.

Fulgent Genetics
Classification: Uncertain significance for Neurofibromatosis, type 1; Neurofibromatosis, familial spinal; Café-au-lait macules with pulmonary stenosis; Neurofibromatosis-Noonan syndrome; Juvenile myelomonocytic leukemia. Last evaluated: 2021-07-21. Review status: criteria provided, single submitter. Criteria: ACMG Guidelines, 2015. Collection method: clinical testing. Allele origin: unknown.

GeneDx
Classification: Uncertain significance. Last evaluated: 2018-01-25. Review status: criteria provided, single submitter. Criteria: GeneDx Variant Classification (06012015). Collection method: clinical testing. Allele origin: germline. Affected: yes.
Comment: This variant is denoted NF1 c.1802G>A at the cDNA level, p.Arg601Gln (R601Q) at the protein level, and results in the change of an Arginine to a Glutamine (CGG>CAG). This variant has not, to our knowledge, been published in the literature as pathogenic or benign. NF1 Arg601Gln was not observed in large population cohorts (Lek 2016). This variant is located within the GTPase activating protein domain (Luo 2014). In-silico analysis, which includes protein predictors and evolutionary conservation, supports that this variant does not alter protein structure/function. Based on currently available evidence, it is unclear whether NF1 Arg601Gln is a pathogenic or benign variant. We consider it to be a variant of uncertain significance.

PreventionGenetics, part of Exact Sciences
Classification: Uncertain significance for NF1-related condition. Last evaluated: 2023-12-20. Review status: no assertion criteria provided. Collection method: clinical testing. Allele origin: germline. Not counted in ClinVar's aggregate classification.
Comment: The NF1 c.1802G>A variant is predicted to result in the amino acid substitution p.Arg601Gln. To our knowledge, this variant has not been reported in individuals with NF1-related disorders or in a large population database, indicating this variant is rare. This variant is interpreted as uncertain in ClinVar. At this time, the clinical significance of this variant is uncertain due to the absence of conclusive functional and genetic evidence.

NM_001042492.3(NF1):c.1802G>A (p.Arg601Gln)

Gene: NF1 (neurofibromin 1; plus strand). Cytogenetic location: 17q11.2.
Variant type: single nucleotide variant.
Coding change: c.1802G>A on transcript NM_001042492.3 (MANE Select); coding-DNA position 1802, G replaced by A.
Protein change: p.Arg601Gln; replaces arginine 601 with glutamine.
Molecular consequence: missense variant.
Genome position (GRCh38, 1-based): chr17:31,223,524, G>A. VCF-style: chr17-31223524-G-A. GRCh37 (hg19) VCF-style: chr17-29550542-G-A.
Other names: c.1802G>A, p.Arg601Gln (NM_000267.4); short protein forms R601Q.
Identifiers: ClinVar variation 404478 (VCV000404478.16), dbSNP rs1060500288, ClinGen allele CA16615173.